The following is an entry in ClinVar:

ClinVar aggregate classification (germline): Pathogenic. Review status: criteria provided, multiple submitters, no conflicts (2 of 4 stars). 3 submissions from 3 submitters: Pathogenic (3). Last evaluated 2025-01-08.

Conditions:
Cardiovascular phenotype. Identifiers: MedGen CN230736.
Cardiac arrhythmia. Also called: Cardiac rhythm disease; Arrhythmia. Identifiers: MedGen C0003811, MONDO:0007263, HP:0011675.

Submissions (3):

Molecular Diagnostic Laboratory for Inherited Cardiovascular Disease, Montreal Heart Institute
Classification: Pathogenic for Cardiovascular phenotype. Last evaluated: 2025-01-08. Review status: criteria provided, single submitter. Criteria: ACMG Guidelines, 2015. Collection method: clinical testing. Allele origin: germline. Affected: yes.
Comment: PVS1, PM2, PS4_supp

Color Diagnostics, LLC DBA Color Health
Classification: Pathogenic for Cardiac arrhythmia. Last evaluated: 2018-12-04. Review status: criteria provided, single submitter. Criteria: ACMG Guidelines, 2015. Collection method: clinical testing. Allele origin: germline.
Comment: This variant deletes 1 nucleotide in exon 10 of the KCNQ1 gene, creating a frameshift and premature translation stop signal. This variant is expected to result in an absent or non-functional protein product. To our knowledge, functional assays have not been performed for this variant nor has this variant been reported in individuals affected with cardiovascular disorders in the literature. This variant has not been identified in the general population by the Genome Aggregation Database (gnomAD). Loss of KCNQ1 function is a known mechanism of disease. Based on available evidence, this variant is classified as Pathogenic.

Ambry Genetics
Classification: Pathogenic for Cardiovascular phenotype. Last evaluated: 2018-11-09. Review status: criteria provided, single submitter. Criteria: Ambry Variant Classification Scheme 2023. Collection method: clinical testing. Allele origin: germline.
Comment: The c.1356delG pathogenic mutation, located in coding exon 10 of the KCNQ1 gene, results from a deletion of one nucleotide at nucleotide position 1356, causing a translational frameshift with a predicted alternate stop codon (p.L453Wfs*13). This alteration is expected to result in loss of function by premature protein truncation or nonsense-mediated mRNA decay. As such, this alteration is interpreted as a disease-causing mutation.

NM_000218.3(KCNQ1):c.1356del (p.Leu453fs)

Gene: KCNQ1 (potassium voltage-gated channel subfamily Q member 1; plus strand). Cytogenetic location: 11p15.5.
Variant type: Deletion.
Coding change: c.1356del on transcript NM_000218.3 (MANE Select); coding-DNA position 1356, one base deleted (G; older notation c.1356delG).
Protein change: p.Leu453fs; shifts the reading frame from leucine 453.
Molecular consequence: frameshift variant.
Genome position (GRCh38, 1-based): chr11:2,588,817, G deleted; the last of 2 consecutive G bases (chr11:2,588,816-2,588,817); deleting either gives the same sequence. VCF-style (leftmost placement, unchanged base first): chr11-2588815-CG-C. GRCh37 (hg19) VCF-style: chr11-2610045-CG-C.
Other names: c.1260delG, p.Leu421Trpfs (NM_001406836.1); c.1086delG, p.Leu363Trpfs (NM_001406837.1); c.816delG, p.Leu273Trpfs (NM_001406838.1); c.975delG, p.Leu326Trpfs (NM_181798.2); short protein forms L326fs, L453fs.
Identifiers: ClinVar variation 922607 (VCV000922607.9), dbSNP rs1848632145, ClinGen allele CA913188346.